The following is an entry in ClinVar:

NM_003054.6(SLC18A2):c.1514T>C (p.Ile505Thr)

Gene: SLC18A2 (solute carrier family 18 member A2; plus strand). Cytogenetic location: 10q25.3.
Variant type: single nucleotide variant.
Coding change: c.1514T>C on transcript NM_003054.6 (MANE Select); coding-DNA position 1514, T replaced by C.
Protein change: p.Ile505Thr; replaces isoleucine 505 with threonine.
Molecular consequence: missense variant.
Genome position (GRCh38, 1-based): chr10:117,277,235, T>C. VCF-style: chr10-117277235-T-C. GRCh37 (hg19) VCF-style: chr10-119036746-T-C.
Other names: short protein forms I505T.
Identifiers: ClinVar variation 2086999 (VCV002086999.4), dbSNP rs1203908069, ClinGen allele CA378514144.

ClinVar aggregate classification (germline): Uncertain significance (1 of 4 stars; one submission).

Allele frequency attached by ClinVar (database versions not stated): gnomAD exomes below 0.00001; gnomAD 0.00001.
gnomAD v4.1: 5 of 1,609,728 alleles (0.00031%); highest among the groups gnomAD compares: Admixed American, 0.0017%; no homozygotes.

Submission:

Labcorp Genetics (formerly Invitae), Labcorp
Classification: Uncertain significance. Last evaluated: 2022-08-15. Review status: criteria provided, single submitter. Criteria: Invitae Variant Classification Sherloc (09022015). Collection method: clinical testing. Allele origin: germline.
Comment: In summary, the available evidence is currently insufficient to determine the role of this variant in disease. Therefore, it has been classified as a Variant of Uncertain Significance. This sequence change replaces isoleucine, which is neutral and non-polar, with threonine, which is neutral and polar, at codon 505 of the SLC18A2 protein (p.Ile505Thr). This variant is present in population databases (no rsID available, gnomAD 0.003%). This variant has not been reported in the literature in individuals affected with SLC18A2-related conditions. Algorithms developed to predict the effect of missense changes on protein structure and function output the following: SIFT: "Tolerated"; PolyPhen-2: "Benign"; Align-GVGD: "Class C0". The threonine amino acid residue is found in multiple mammalian species, which suggests that this missense change does not adversely affect protein function.